The following is an entry in ClinVar:

NM_001040142.2(SCN2A):c.4099A>G (p.Ile1367Val)

Gene: SCN2A (sodium voltage-gated channel alpha subunit 2; plus strand). Cytogenetic location: 2q24.3.
Variant type: single nucleotide variant.
Coding change: c.4099A>G on transcript NM_001040142.2 (MANE Select); coding-DNA position 4099, A replaced by G.
Protein change: p.Ile1367Val; replaces isoleucine 1367 with valine.
Molecular consequence: missense variant.
Genome position (GRCh38, 1-based): chr2:165,374,811, A>G. VCF-style: chr2-165374811-A-G. GRCh37 (hg19) VCF-style: chr2-166231321-A-G.
Other names: c.4099A>G, p.Ile1367Val (NM_001040143.2, NM_001371246.1, NM_001371247.1 and 1 more transcripts); short protein forms I1367V.
Identifiers: ClinVar variation 3893468 (VCV003893468.1).
Genomic context (GRCh38, chr2:165,374,811, plus strand): 5'-TTTTGGCTAATATTCAGTATCATGGGAGTGAATCTCTTTGCTGGCAAGTTTTACCATTGT[A>G]TTAATTACACCACTGGAGAGATGTTTGATGTAAGCGTGGTCAACAACTACAGTGAGTGCA-3'
Protein context (NP_001035232.1, residues 1357-1377): NLFAGKFYHC[Ile1367Val]NYTTGEMFDV

ClinVar aggregate classification (germline): Uncertain significance (1 of 4 stars; one submission).

gnomAD v4.1: 1 of 1,613,642 alleles (0.000062%); highest among the groups gnomAD compares: South Asian, 0.0011%; no homozygotes.

Submission:

GeneDx
Classification: Uncertain significance. Last evaluated: 2024-10-23. Review status: criteria provided, single submitter. Criteria: GeneDx Variant Classification Process June 2021. Collection method: clinical testing. Allele origin: germline. Affected: yes.
Comment: Not observed at significant frequency in large population cohorts (gnomAD); In silico analysis indicates that this missense variant does not alter protein structure/function; Has not been previously published as pathogenic or benign to our knowledge; This substitution is predicted to be within the extracellular loop between the S5 and S6 transmembrane segments of the third homologous domain